The following is an entry in ClinVar:

ClinVar aggregate classification (germline): Benign/Likely benign. Review status: criteria provided, multiple submitters, no conflicts (2 of 4 stars). 7 submissions from 7 submitters: Benign (1); Likely benign (6). Last evaluated 2026-10-01.

Conditions:
KMT2D-related disorder. Also called: KMT2D-Related Disorders.
Kabuki syndrome. Also called: NIIKAWA-KUROKI SYNDROME; Kabuki make-up syndrome. Identifiers: Orphanet 2322, MedGen C0796004, MONDO:0016512.

Allele frequency attached by ClinVar (database versions not stated): TOPMed 0.00028; gnomAD 0.00029 and 0.00030; ExAC 0.00060.
gnomAD v4.1: 798 of 1,587,058 alleles (0.05%); highest among the groups gnomAD compares: Non-Finnish European, 0.064%; no homozygotes.

Submissions (7):

CeGaT Center for Human Genetics Tuebingen
Classification: Likely benign. Last evaluated: 2026-10-01. Review status: criteria provided, single submitter. Criteria: CeGaT Center For Human Genetics Tuebingen Variant Classification Criteria Version 2. Collection method: clinical testing. Allele origin: germline. Affected: yes. Observed: 5 variant alleles.
Comment: KMT2D: BP4, BP7

Labcorp Genetics (formerly Invitae), Labcorp
Classification: Benign for Kabuki syndrome. Last evaluated: 2025-11-24. Review status: criteria provided, single submitter. Criteria: Invitae Variant Classification Sherloc (09022015). Collection method: clinical testing. Allele origin: germline.

PreventionGenetics, part of Exact Sciences
Classification: Likely benign for KMT2D-related condition. Last evaluated: 2025-11-06. Review status: criteria provided, single submitter. Criteria: ACMG Guidelines, 2015. Collection method: clinical testing. Allele origin: germline.
Comment: This variant is classified as likely benign based on ACMG/AMP sequence variant interpretation guidelines (Richards et al. 2015 PMID: 25741868, with internal and published modifications).

Blueprint Genetics
Classification: Likely benign. Last evaluated: 2024-11-12. Review status: criteria provided, single submitter. Criteria: ACMG Guidelines, 2015. Collection method: clinical testing. Allele origin: germline.

GeneDx
Classification: Likely benign. Last evaluated: 2020-12-14. Review status: criteria provided, single submitter. Criteria: GeneDx Variant Classification Process June 2021. Collection method: clinical testing. Allele origin: germline. Affected: yes.

Eurofins Ntd Llc (ga)
Classification: Likely benign. Last evaluated: 2016-03-02. Review status: criteria provided, single submitter. Criteria: EGL Classification Definitions 2015. Collection method: clinical testing. Allele origin: germline. Observed: 1 variant allele, 1 heterozygote.

Genetic Services Laboratory, University of Chicago
Classification: Likely benign. Last evaluated: 2014-03-07. Review status: criteria provided, single submitter. Criteria: ACMG Guidelines, 2007. Collection method: clinical testing. Allele origin: germline. Inheritance: Autosomal dominant inheritance.

NM_003482.4(KMT2D):c.5952C>A (p.Pro1984=)

Gene: KMT2D (lysine methyltransferase 2D; minus strand). Cytogenetic location: 12q13.12.
Variant type: single nucleotide variant.
Coding change: c.5952C>A on transcript NM_003482.4 (MANE Select); coding-DNA position 5952, C replaced by A.
Protein change: p.Pro1984=; no amino-acid change (proline 1984 retained).
Molecular consequence: synonymous variant.
Genome position (GRCh38, 1-based): chr12:49,042,246, G>T on the plus strand (C>A on the coding strand, the complement: KMT2D is on the minus strand). VCF-style: chr12-49042246-G-T. GRCh37 (hg19) VCF-style: chr12-49436029-G-T.
Identifiers: ClinVar variation 158773 (VCV000158773.58), dbSNP rs587783721, ClinGen allele CA172430.